The following is an entry in ClinVar:

NM_183050.4(BCKDHB):c.948T>A (p.Cys316Ter)

Gene: BCKDHB (branched chain keto acid dehydrogenase E1 subunit beta; plus strand). Cytogenetic location: 6q14.1.
Variant type: single nucleotide variant.
Coding change: c.948T>A on transcript NM_183050.4 (MANE Select); coding-DNA position 948, T replaced by A.
Protein change: p.Cys316Ter; replaces cysteine 316 with a stop codon.
Molecular consequence: nonsense. On other transcripts: non-coding transcript variant (6).
Genome position (GRCh38, 1-based): chr6:80,203,209, T>A. VCF-style: chr6-80203209-T-A. GRCh37 (hg19) VCF-style: chr6-80912926-T-A.
Other names: c.948T>A, p.Cys316Ter (NM_000056.5, NM_001424035.1, NM_001424036.1 and 7 more transcripts); c.738T>A, p.Cys246Ter (NM_001318975.1, NM_001424043.1); short protein forms C246*, C316*.
Identifiers: ClinVar variation 5015575 (VCV005015575.1).

ClinVar aggregate classification (germline): Pathogenic (1 of 4 stars; one submission).

Conditions:
Maple syrup urine disease type 1B (MSUD1B). Also called: MSUD type IB; MSUD type 3 (formerly); MSUD due to deficiency of e1-beta subunit of branched-chain alpha-keto acid dehydrogenase complex. Identifiers: MedGen C2930990, MONDO:0023692, OMIM 620698.

Submission:

Myriad Genetics, Inc.
Classification: Pathogenic for Maple syrup urine disease type 1B. Last evaluated: 2026-02-19. Review status: criteria provided, single submitter. Criteria: Myriad Autosomal Dominant, Autosomal Recessive and X-Linked Classification Criteria (2023). Collection method: clinical testing. Allele origin: unknown.
Comment: NM_183050.2(BCKDHB):c.948T>A(C316*) is expected to be pathogenic in the context of maple syrup urine disease type Ib. This variant is predicted to lead to an abnormal or absent protein product due to the creation of a premature termination codon in BCKDHB, a gene where loss-of-function variants are known to be pathogenic. Please note: this variant was assessed in the context of healthy population screening.